The following is an entry in ClinVar:

NM_006206.6(PDGFRA):c.1907G>C (p.Ser636Thr)

Gene: PDGFRA (platelet derived growth factor receptor alpha; plus strand). Cytogenetic location: 4q12.
Variant type: single nucleotide variant.
Coding change: c.1907G>C on transcript NM_006206.6 (MANE Select); coding-DNA position 1907, G replaced by C.
Protein change: p.Ser636Thr; replaces serine 636 with threonine.
Molecular consequence: missense variant.
Genome position (GRCh38, 1-based): chr4:54,277,911, G>C. VCF-style: chr4-54277911-G-C. GRCh37 (hg19) VCF-style: chr4-55144078-G-C.
Other names: c.1907G>C, p.Ser636Thr (NM_001347827.2, NM_001347829.2); c.1982G>C, p.Ser661Thr (NM_001347828.2); c.1946G>C, p.Ser649Thr (NM_001347830.2); c.1907G>C (NM_006206.5); short protein forms S649T, S661T, S636T.
Identifiers: ClinVar variation 1354785 (VCV001354785.12), dbSNP rs1723827579, ClinGen allele CA356893592.

ClinVar aggregate classification (germline): Uncertain significance. Review status: criteria provided, multiple submitters, no conflicts (2 of 4 stars). 4 submissions from 4 submitters: Uncertain significance (4). Last evaluated 2026-09-04.

Conditions:
Gastrointestinal stromal tumor. Also called: Gastrointestinal stroma tumor; Gastrointestinal stromal tumor, somatic. Identifiers: Orphanet 44890, MedGen C0238198, MeSH D046152, MONDO:0011719, OMIM 606764, HP:0100723.
PDGFRA-related disorder. Also called: PDGFRA-related condition.
Polyps, multiple and recurrent inflammatory fibroid, gastrointestinal. Identifiers: MedGen C5193005, MONDO:0008285, OMIM 175510.
Hereditary cancer-predisposing syndrome. Also called: Hereditary Cancer Syndrome; Tumor predisposition; Neoplastic Syndromes, Hereditary; Hereditary neoplastic syndrome. Identifiers: Orphanet 140162, MedGen C0027672, MeSH D009386, MONDO:0015356.

Allele frequency attached by ClinVar (database versions not stated): TOPMed below 0.00001.
gnomAD v4.1: 1 of 1,612,234 alleles (0.000062%); highest among the groups gnomAD compares: South Asian, 0.0011%; no homozygotes.

Submissions (4):

PreventionGenetics, part of Exact Sciences
Classification: Uncertain significance for PDGFRA-related condition. Last evaluated: 2026-09-04. Review status: criteria provided, single submitter. Criteria: ACMG Guidelines, 2015. Collection method: clinical testing. Allele origin: germline.
Comment: The PDGFRA c.1907G>C variant is predicted to result in the amino acid substitution p.Ser636Thr. To our knowledge, this variant has not been reported in the literature or in a large population database (gnomAD), indicating it is rare. It is classified as uncertain in ClinVar (Variation ID: 1354785). At this time, the clinical significance of this variant is uncertain due to the absence of conclusive functional and genetic evidence.

Labcorp Genetics (formerly Invitae), Labcorp
Classification: Uncertain significance for Gastrointestinal stromal tumor. Last evaluated: 2025-07-08. Review status: criteria provided, single submitter. Criteria: Invitae Variant Classification Sherloc (09022015). Collection method: clinical testing. Allele origin: germline.
Comment: This sequence change replaces serine, which is neutral and polar, with threonine, which is neutral and polar, at codon 636 of the PDGFRA protein (p.Ser636Thr). This variant is not present in population databases (gnomAD no frequency). This variant has not been reported in the literature in individuals affected with PDGFRA-related conditions. ClinVar contains an entry for this variant (Variation ID: 1354785). Invitae Evidence Modeling of protein sequence and biophysical properties (such as structural, functional, and spatial information, amino acid conservation, physicochemical variation, residue mobility, and thermodynamic stability) indicates that this missense variant is not expected to disrupt PDGFRA protein function with a negative predictive value of 80%. In summary, the available evidence is currently insufficient to determine the role of this variant in disease. Therefore, it has been classified as a Variant of Uncertain Significance.

Baylor Genetics
Classification: Uncertain significance for Polyps, multiple and recurrent inflammatory fibroid, gastrointestinal. Last evaluated: 2024-03-08. Review status: criteria provided, single submitter. Criteria: ACMG Guidelines, 2015. Collection method: clinical testing. Allele origin: unknown.

Ambry Genetics
Classification: Uncertain significance for Hereditary cancer-predisposing syndrome. Last evaluated: 2023-10-10. Review status: criteria provided, single submitter. Criteria: Ambry Variant Classification Scheme 2023. Collection method: clinical testing. Allele origin: germline.
Comment: The p.S636T variant (also known as c.1907G>C), located in coding exon 13 of the PDGFRA gene, results from a G to C substitution at nucleotide position 1907. The serine at codon 636 is replaced by threonine, an amino acid with similar properties. This amino acid position is highly conserved in available vertebrate species. In addition, the in silico prediction for this alteration is inconclusive. Since supporting evidence is limited at this time, the clinical significance of this alteration remains unclear.